The following is an entry in ClinVar:

NM_012463.4(ATP6V0A2):c.118-73G>A

Gene: ATP6V0A2 (ATPase H+ transporting V0 subunit a2; plus strand). Cytogenetic location: 12q24.31.
Variant type: single nucleotide variant.
Coding change: c.118-73G>A on transcript NM_012463.4 (MANE Select); 73 bases into the intron before coding-DNA position 118, G replaced by A.
Molecular consequence: intron variant.
Genome position (GRCh38, 1-based): chr12:123,718,550, G>A. VCF-style: chr12-123718550-G-A. GRCh37 (hg19) VCF-style: chr12-124203097-G-A.
Identifiers: ClinVar variation 677551 (VCV000677551.2), dbSNP rs114594614, ClinGen allele CA245179917.

ClinVar aggregate classification (germline): Likely benign. Review status: criteria provided, multiple submitters, no conflicts (2 of 4 stars). 2 submissions from 2 submitters: Likely benign (2). Last evaluated 2018-06-16.

Allele frequency attached by ClinVar (database versions not stated): gnomAD 0.01273 and 0.01368; TOPMed 0.01411; 1000 Genomes Project 0.01518; 1000 Genomes Project 30x 0.01624.
gnomAD v4.1: 3,336 of 1,138,842 alleles (0.29%); highest among the groups gnomAD compares: African/African-American, 4.3%; 57 homozygotes.

Submissions (2):

GeneDx
Classification: Likely benign. Last evaluated: 2018-06-16. Review status: criteria provided, single submitter. Criteria: GeneDx Variant Classification (06012015). Collection method: clinical testing. Allele origin: germline. Affected: yes.
Comment: This variant is considered likely benign or benign based on one or more of the following criteria: it is a conservative change, it occurs at a poorly conserved position in the protein, it is predicted to be benign by multiple in silico algorithms, and/or has population frequency not consistent with disease.

Breakthrough Genomics
Classification: Likely benign. Review status: criteria provided, single submitter. Criteria: ACMG Guidelines, 2015. Collection method: not provided. Allele origin: germline. Inheritance: Autosomal recessive inheritance. Affected: yes.